The following is an entry in ClinVar:

NM_005751.5(AKAP9):c.10608-15G>C

Gene: AKAP9 (A-kinase anchoring protein 9; plus strand). Cytogenetic location: 7q21.2.
Variant type: single nucleotide variant.
Coding change: c.10608-15G>C on transcript NM_005751.5 (MANE Select); 15 bases into the intron before coding-DNA position 10608, G replaced by C.
Molecular consequence: intron variant.
Genome position (GRCh38, 1-based): chr7:92,098,094, G>C. VCF-style: chr7-92098094-G-C. GRCh37 (hg19) VCF-style: chr7-91727408-G-C.
Other names: c.10584-15G>C (NM_147185.3); c.5253-15G>C (NM_001379277.1).
Identifiers: ClinVar variation 360848 (VCV000360848.15), dbSNP rs112467497, ClinGen allele CA4337987.

ClinVar aggregate classification (germline): Benign/Likely benign. Review status: criteria provided, multiple submitters, no conflicts (2 of 4 stars). 5 submissions from 5 submitters: Benign (4); Likely benign (1). Last evaluated 2026-02-01.

Conditions:
Long QT syndrome 11 (LQT11). Identifiers: Orphanet 101016, Orphanet 768, MedGen C2678483, MONDO:0012738, OMIM 611820.
Long QT syndrome (LQTS). Identifiers: MedGen C0023976, MeSH D008133, MONDO:0002442. Disease mechanism: loss of function. Inheritance: Various modes of inheritance.

Allele frequency attached by ClinVar (database versions not stated): gnomAD exomes 0.00155 and 0.00387; ExAC 0.00475; ESP Exome Variant Server 0.01430; 1000 Genomes Project 0.01438; gnomAD 0.01442 and 0.01552; 1000 Genomes Project 30x 0.01499; TOPMed 0.01618.
gnomAD v4.1: 4,523 of 1,559,748 alleles (0.29%); highest among the groups gnomAD compares: African/African-American, 5.1%; 121 homozygotes.

Submissions (5):

Labcorp Genetics (formerly Invitae), Labcorp
Classification: Benign for Long QT syndrome. Last evaluated: 2026-02-01. Review status: criteria provided, single submitter. Criteria: Invitae Variant Classification Sherloc (09022015). Collection method: clinical testing. Allele origin: germline.

Genome-Nilou Lab
Classification: Benign for Long QT syndrome 11. Last evaluated: 2021-12-05. Review status: criteria provided, single submitter. Criteria: ACMG Guidelines, 2015. Collection method: clinical testing. Allele origin: germline. Affected: no.

Women's Health and Genetics/Laboratory Corporation of America, LabCorp
Classification: Benign. Last evaluated: 2019-10-15. Review status: criteria provided, single submitter. Criteria: LabCorp Variant Classification Summary - May 2015. Collection method: clinical testing. Allele origin: germline.
Comment: Variant summary: AKAP9 c.10608-15G>C alters a non-conserved nucleotide located close to a canonical splice site and therefore could affect mRNA splicing, leading to a significantly altered protein sequence. 5/5 computational tools predict no significant impact on normal splicing. However, these predictions have yet to be confirmed by functional studies. The variant allele was found at a frequency of 0.0039 in 249920 control chromosomes, predominantly at a frequency of 0.05 within the African or African-American subpopulation in the gnomAD database, including 24 homozygotes. The observed variant frequency within African or African-American control individuals in the gnomAD database is approximately 5000-folds over the estimated maximal expected allele frequency for a pathogenic variant in AKAP9 causing Arrhythmia phenotype (1e-05), strongly suggesting that the variant is a benign polymorphism found primarily in populations of African or African-American origin. A ClinVar submission (evaluation after 2014) cites the variant as likely benign. Based on the evidence outlined above, the variant was classified as benign.

GeneDx
Classification: Benign. Last evaluated: 2015-03-03. Review status: criteria provided, single submitter. Criteria: GeneDx Variant Classification Process June 2021. Collection method: clinical testing. Allele origin: germline. Affected: yes.

Breakthrough Genomics
Classification: Likely benign. Review status: criteria provided, single submitter. Criteria: ACMG Guidelines, 2015. Collection method: not provided. Allele origin: germline. Inheritance: Autosomal dominant inheritance. Affected: yes.